The following is an entry in ClinVar:

ClinVar aggregate classification (germline): Uncertain significance (1 of 4 stars; one submission).

Conditions:
Cardiovascular phenotype. Identifiers: MedGen CN230736.

gnomAD v4.1: 2 of 1,210,564 alleles (0.00017%); highest among the groups gnomAD compares: Middle Eastern, 0.046%; no homozygotes.

Submission:

Ambry Genetics
Classification: Uncertain significance for Cardiovascular phenotype. Last evaluated: 2023-06-13. Review status: criteria provided, single submitter. Criteria: Ambry Variant Classification Scheme 2023. Collection method: clinical testing. Allele origin: germline.
Comment: The p.K211Q variant (also known as c.631A>C), located in coding exon 7 of the DMD gene, results from an A to C substitution at nucleotide position 631. The lysine at codon 211 is replaced by glutamine, an amino acid with similar properties. This amino acid position is well conserved in available vertebrate species. In addition, the in silico prediction for this alteration is inconclusive. Since supporting evidence is limited at this time, the clinical significance of this alteration remains unclear.

NM_004006.3(DMD):c.631A>C (p.Lys211Gln)

Gene: DMD (dystrophin; minus strand). Cytogenetic location: Xp21.1.
Variant type: single nucleotide variant.
Coding change: c.631A>C on transcript NM_004006.3 (MANE Select); coding-DNA position 631, A replaced by C.
Protein change: p.Lys211Gln; replaces lysine 211 with glutamine.
Molecular consequence: missense variant.
Genome position (GRCh38, 1-based): chrX:32,809,511, T>G on the plus strand (A>C on the coding strand, the complement: DMD is on the minus strand). VCF-style: chrX-32809511-T-G. GRCh37 (hg19) VCF-style: chrX-32827628-T-G.
Other names: c.607A>C, p.Lys203Gln (NM_000109.4); c.619A>C, p.Lys207Gln (NM_004009.3); c.262A>C, p.Lys88Gln (NM_004010.3); short protein forms K207Q, K203Q, K211Q, K88Q.
Identifiers: ClinVar variation 2562029 (VCV002562029.2), dbSNP rs2148750714, ClinGen allele CA412673790.